The following is an entry in ClinVar:

NM_001130823.3(DNMT1):c.2563C>A (p.Pro855Thr)

Gene: DNMT1 (DNA methyltransferase 1; minus strand). Cytogenetic location: 19p13.2.
Variant type: single nucleotide variant.
Coding change: c.2563C>A on transcript NM_001130823.3 (MANE Select); coding-DNA position 2563, C replaced by A.
Protein change: p.Pro855Thr; replaces proline 855 with threonine.
Molecular consequence: missense variant.
Genome position (GRCh38, 1-based): chr19:10,149,476, G>T on the plus strand (C>A on the coding strand, the complement: DNMT1 is on the minus strand). VCF-style: chr19-10149476-G-T. GRCh37 (hg19) VCF-style: chr19-10260152-G-T.
Other names: c.2515C>A, p.Pro839Thr (NM_001318730.2, NM_001379.4); c.2200C>A, p.Pro734Thr (NM_001318731.2); short protein forms P734T, P839T, P855T.
Identifiers: ClinVar variation 2868270 (VCV002868270.3), dbSNP rs781003939, ClinGen allele CA9188030.

ClinVar aggregate classification (germline): Uncertain significance (1 of 4 stars; one submission).

Conditions:
Hereditary sensory neuropathy-deafness-dementia syndrome. Also called: Hereditary sensory neuropathy type IE; Hereditary Sensory and Autonomic Neuropathy Type 1E (HSAN1E); NEUROPATHY, HEREDITARY SENSORY, WITH HEARING LOSS AND DEMENTIA; HSN IE. Identifiers: Orphanet 456318, MedGen C3279885, MONDO:0013584, OMIM 614116.

Allele frequency attached by ClinVar (database versions not stated): TOPMed below 0.00001; ExAC 0.00001.
gnomAD v4.1: 13 of 1,614,118 alleles (0.00081%); highest among the groups gnomAD compares: Non-Finnish European, 0.00093%; no homozygotes.

Submission:

Labcorp Genetics (formerly Invitae), Labcorp
Classification: Uncertain significance for Hereditary sensory neuropathy-deafness-dementia syndrome. Last evaluated: 2024-03-24. Review status: criteria provided, single submitter. Criteria: Invitae Variant Classification Sherloc (09022015). Collection method: clinical testing. Allele origin: germline.
Comment: This sequence change replaces proline, which is neutral and non-polar, with threonine, which is neutral and polar, at codon 855 of the DNMT1 protein (p.Pro855Thr). This variant is present in population databases (rs781003939, gnomAD 0.002%). This variant has not been reported in the literature in individuals affected with DNMT1-related conditions. Advanced modeling of protein sequence and biophysical properties (such as structural, functional, and spatial information, amino acid conservation, physicochemical variation, residue mobility, and thermodynamic stability) performed at Invitae indicates that this missense variant is not expected to disrupt DNMT1 protein function with a negative predictive value of 80%. In summary, the available evidence is currently insufficient to determine the role of this variant in disease. Therefore, it has been classified as a Variant of Uncertain Significance.